The following is an entry in ClinVar:

ClinVar aggregate classification (germline): Likely benign. Review status: criteria provided, multiple submitters, no conflicts (2 of 4 stars). 3 submissions from 3 submitters: Likely benign (2). 1 of the submissions does not count toward it. Last evaluated 2023-12-22.

Conditions:
MYO7A-related disorder. Also called: MYO7A-related disorders.

Allele frequency attached by ClinVar (database versions not stated): gnomAD 0.00001; TOPMed 0.00001; gnomAD exomes 0.00002; ExAC 0.00001.

Submissions (3):

Labcorp Genetics (formerly Invitae), Labcorp
Classification: Likely benign. Last evaluated: 2023-12-22. Review status: criteria provided, single submitter. Criteria: Invitae Variant Classification Sherloc (09022015). Collection method: clinical testing. Allele origin: germline.

Laboratory for Molecular Medicine, Mass General Brigham Personalized Medicine
Classification: Likely benign. Last evaluated: 2017-04-17. Review status: criteria provided, single submitter. Criteria: LMM Criteria. Collection method: clinical testing. Allele origin: germline. Observed: 1 variant allele.
Comment: c.1797+G>A in intron 15 of MYO7A: This variant is not expected to have clinical significance because it is not located within the splice consensus sequence. It has been identified in 1/11118 Latino chromosomes by the Exome Aggregation Cons ortium (ExAC; dbSNP rs781801358).

PreventionGenetics, part of Exact Sciences
Classification: Likely benign for MYO7A-related condition. Last evaluated: 2024-09-05. Review status: no assertion criteria provided. Collection method: clinical testing. Allele origin: germline. Not counted in ClinVar's aggregate classification.
Comment: This variant is classified as likely benign based on ACMG/AMP sequence variant interpretation guidelines (Richards et al. 2015 PMID: 25741868, with internal and published modifications).

NM_000260.4(MYO7A):c.1797+8G>A

Gene: MYO7A (myosin VIIA; plus strand). Cytogenetic location: 11q13.5.
Variant type: single nucleotide variant.
Coding change: c.1797+8G>A on transcript NM_000260.4 (MANE Select); 8 bases into the intron after coding-DNA position 1797, G replaced by A.
Molecular consequence: intron variant.
Genome position (GRCh38, 1-based): chr11:77,166,170, G>A. VCF-style: chr11-77166170-G-A. GRCh37 (hg19) VCF-style: chr11-76877216-G-A.
Other names: c.1764+8G>A (NM_001369365.1); c.1797+8G>A (NM_001127180.2).
Identifiers: ClinVar variation 505689 (VCV000505689.13), dbSNP rs781801358, ClinGen allele CA6197592.